The following is an entry in ClinVar:

NM_001375524.1(TRRAP):c.2975A>C (p.Asn992Thr)

Gene: TRRAP (transformation/transcription domain associated protein; plus strand). Cytogenetic location: 7q22.1.
Variant type: single nucleotide variant.
Coding change: c.2975A>C on transcript NM_001375524.1 (MANE Select); coding-DNA position 2975, A replaced by C.
Protein change: p.Asn992Thr; replaces asparagine 992 with threonine.
Molecular consequence: missense variant.
Genome position (GRCh38, 1-based): chr7:98,925,263, A>C. VCF-style: chr7-98925263-A-C. GRCh37 (hg19) VCF-style: chr7-98522886-A-C.
Other names: c.2975A>C, p.Asn992Thr (NM_001244580.2, NM_003496.4); short protein forms N992T.
Identifiers: ClinVar variation 3714100 (VCV003714100.3).

ClinVar aggregate classification (germline): Uncertain significance. Review status: criteria provided, multiple submitters, no conflicts (2 of 4 stars). 2 submissions from 2 submitters: Uncertain significance (2). Last evaluated 2026-09-01.

gnomAD v4.1: 2 of 1,613,506 alleles (0.00012%); highest among the groups gnomAD compares: Admixed American, 0.0033%; no homozygotes.

Submissions (2):

CeGaT Center for Human Genetics Tuebingen
Classification: Uncertain significance. Last evaluated: 2026-09-01. Review status: criteria provided, single submitter. Criteria: CeGaT Center For Human Genetics Tuebingen Variant Classification Criteria Version 2. Collection method: clinical testing. Allele origin: germline. Affected: yes. Observed: 1 variant allele.

Labcorp Genetics (formerly Invitae), Labcorp
Classification: Uncertain significance. Last evaluated: 2024-11-28. Review status: criteria provided, single submitter. Criteria: Invitae Variant Classification Sherloc (09022015). Collection method: clinical testing. Allele origin: germline.
Comment: This sequence change replaces asparagine, which is neutral and polar, with threonine, which is neutral and polar, at codon 992 of the TRRAP protein (p.Asn992Thr). This variant is present in population databases (rs781892964, gnomAD 0.009%). This variant has not been reported in the literature in individuals affected with TRRAP-related conditions. An algorithm developed to predict the effect of missense changes on protein structure and function (PolyPhen-2) suggests that this variant is likely to be tolerated. In summary, the available evidence is currently insufficient to determine the role of this variant in disease. Therefore, it has been classified as a Variant of Uncertain Significance.